The following is an entry in ClinVar:

NM_000135.4(FANCA):c.207T>A (p.Cys69Ter)

Gene: FANCA (FA complementation group A; minus strand). Cytogenetic location: 16q24.3.
Variant type: single nucleotide variant.
Coding change: c.207T>A on transcript NM_000135.4 (MANE Select); coding-DNA position 207, T replaced by A.
Protein change: p.Cys69Ter; replaces cysteine 69 with a stop codon.
Molecular consequence: nonsense.
Genome position (GRCh38, 1-based): chr16:89,814,596, A>T on the plus strand (T>A on the coding strand, the complement: FANCA is on the minus strand). VCF-style: chr16-89814596-A-T. GRCh37 (hg19) VCF-style: chr16-89881004-A-T.
Other names: c.207T>A, p.Cys69Ter (NM_001018112.3, NM_001286167.3, NM_001351830.2); short protein forms C69*.
Identifiers: ClinVar variation 852815 (VCV000852815.7), dbSNP rs941660593, ClinGen allele CA397482589.
Genomic context (GRCh38, chr16:89,814,596, plus strand): 5'-ATGATTAGCATAGGCCTCAGAACTGTCACAGTCAATCACTTTGCTGAGAGACAATTTTTT[A>T]CACAGTGGACCTTCTACCTAGAATCCAAAACACAACAAACTCCATTTAAAAAATTCAAGC-3'

ClinVar aggregate classification (germline): Pathogenic (1 of 4 stars; one submission).

Conditions:
Fanconi anemia (FA). Also called: Fanconi's anemia. Identifiers: Orphanet 84, MedGen C0015625, MeSH D005199, MONDO:0019391.

Submission:

Labcorp Genetics (formerly Invitae), Labcorp
Classification: Pathogenic for Fanconi anemia. Last evaluated: 2019-04-18. Review status: criteria provided, single submitter. Criteria: Invitae Variant Classification Sherloc (09022015). Collection method: clinical testing. Allele origin: germline.
Comment: This sequence change creates a premature translational stop signal (p.Cys69*) in the FANCA gene. It is expected to result in an absent or disrupted protein product. This variant is not present in population databases (ExAC no frequency). This variant has not been reported in the literature in individuals with FANCA-related conditions. Loss-of-function variants in FANCA are known to be pathogenic (PMID: 19367192). For these reasons, this variant has been classified as Pathogenic.

Literature cited by the submitters: PubMed 19367192.